The following is an entry in ClinVar:

NM_018671.5(UNC45A):c.766dup (p.Ala256fs)

Gene: UNC45A (unc-45 myosin chaperone A; plus strand). Cytogenetic location: 15q26.1.
Variant type: Duplication.
Coding change: c.766dup on transcript NM_018671.5 (MANE Select); coding-DNA position 766, one base duplicated (G; older notation c.766dupG).
Protein change: p.Ala256fs; shifts the reading frame from alanine 256.
Molecular consequence: frameshift variant.
Genome position (GRCh38, 1-based): chr15:90,942,515, G duplicated; the last of 2 consecutive G bases (chr15:90,942,514-90,942,515); duplicating either gives the same sequence. VCF-style (leftmost placement, unchanged base first): chr15-90942513-T-TG. GRCh37 (hg19) VCF-style: chr15-91485743-T-TG.
Other names: c.721dup, p.Ala241fs (NM_001039675.2, NM_001323621.2); c.766dup, p.Ala256fs (NM_001323619.1); c.331dup, p.Ala111fs (NM_001323620.2); short protein forms A241fs, A111fs, A256fs.
Identifiers: ClinVar variation 1491159 (VCV001491159.7), dbSNP rs766346918, ClinGen allele CA7742664.

ClinVar aggregate classification (germline): Conflicting classifications of pathogenicity. Review status: criteria provided, conflicting classifications (1 of 4 stars). 2 submissions from 2 submitters: Pathogenic (1); Uncertain significance (1). Last evaluated 2024-02-01.

Conditions:
Cholestasis-edema syndrome, Norwegian type. Also called: Aagenaes syndrome. Identifiers: Orphanet 1414, MedGen C0268314, MONDO:0008966, OMIM 214900.

Submissions (2):

Institute of Human Genetics, University of Leipzig Medical Center
Classification: Pathogenic for Cholestasis-edema syndrome, Norwegian type. Last evaluated: 2024-02-01. Review status: criteria provided, single submitter. Criteria: ACMG Guidelines, 2015. Collection method: clinical testing. Allele origin: unknown. Inheritance: Autosomal recessive inheritance. Affected: yes.
Comment: Criteria applied: PVS1,PM2_SUP,PM3_SUP

Labcorp Genetics (formerly Invitae), Labcorp
Classification: Uncertain significance. Last evaluated: 2021-09-21. Review status: criteria provided, single submitter. Criteria: Invitae Variant Classification Sherloc (09022015). Collection method: clinical testing. Allele origin: germline.
Comment: This sequence change creates a premature translational stop signal (p.Ala256Glyfs*11) in the UNC45A gene. It is expected to result in an absent or disrupted protein product. However, the current clinical and genetic evidence is not sufficient to establish whether loss-of-function variants in UNC45A cause disease. This variant is present in population databases (rs766346918, ExAC 0.001%). This variant has not been reported in the literature in individuals affected with UNC45A-related conditions. In summary, the available evidence is currently insufficient to determine the role of this variant in disease. Therefore, it has been classified as a Variant of Uncertain Significance.